The following is an entry in ClinVar:

ClinVar aggregate classification (germline): Uncertain significance. Review status: criteria provided, multiple submitters, no conflicts (2 of 4 stars). 2 submissions from 2 submitters: Uncertain significance (2). Last evaluated 2025-10-21.

Conditions:
Symmetrical dyschromatosis of extremities (DSH). Also called: DYSCHROMATOSIS SYMMETRICA HEREDITARIA 1; RETICULATE ACROPIGMENTATION OF DOHI; SYMMETRIC DYSCHROMATOSIS OF THE EXTREMITIES; Dyschromatosis symmetrica hereditaria. Identifiers: Orphanet 41, MedGen C0406775, MONDO:0007483, OMIM 127400.
Aicardi-Goutieres syndrome 6 (AGS6). Identifiers: Orphanet 51, MedGen C3539013, MONDO:0014007, OMIM 615010.

Allele frequency attached by ClinVar (database versions not stated): gnomAD exomes below 0.00001; gnomAD 0.00001.
gnomAD v4.1: 4 of 1,614,064 alleles (0.00025%); highest among the groups gnomAD compares: South Asian, 0.0011%; no homozygotes.

Submissions (2):

Labcorp Genetics (formerly Invitae), Labcorp
Classification: Uncertain significance for Aicardi-Goutieres syndrome 6; Symmetrical dyschromatosis of extremities. Last evaluated: 2025-10-21. Review status: criteria provided, single submitter. Criteria: Invitae Variant Classification Sherloc (09022015). Collection method: clinical testing. Allele origin: germline.
Comment: This sequence change replaces cysteine, which is neutral and slightly polar, with arginine, which is basic and polar, at codon 630 of the ADAR protein (p.Cys630Arg). This variant is present in population databases (no rsID available, gnomAD 0.003%). This variant has not been reported in the literature in individuals affected with ADAR-related conditions. ClinVar contains an entry for this variant (Variation ID: 1964924). Invitae Evidence Modeling of protein sequence and biophysical properties (such as structural, functional, and spatial information, amino acid conservation, physicochemical variation, residue mobility, and thermodynamic stability) indicates that this missense variant is not expected to disrupt ADAR protein function with a negative predictive value of 80%. In summary, the available evidence is currently insufficient to determine the role of this variant in disease. Therefore, it has been classified as a Variant of Uncertain Significance.

Blueprint Genetics
Classification: Uncertain significance. Last evaluated: 2020-09-17. Review status: criteria provided, single submitter. Criteria: ACMG Guidelines, 2015. Collection method: clinical testing. Allele origin: germline.

NM_001111.5(ADAR):c.1888T>C (p.Cys630Arg)

Gene: ADAR (adenosine deaminase RNA specific; minus strand). Cytogenetic location: 1q21.3.
Variant type: single nucleotide variant.
Coding change: c.1888T>C on transcript NM_001111.5 (MANE Select); coding-DNA position 1888, T replaced by C.
Protein change: p.Cys630Arg; replaces cysteine 630 with arginine.
Molecular consequence: missense variant.
Genome position (GRCh38, 1-based): chr1:154,597,874, A>G on the plus strand (T>C on the coding strand, the complement: ADAR is on the minus strand). VCF-style: chr1-154597874-A-G. GRCh37 (hg19) VCF-style: chr1-154570350-A-G.
Other names: c.1003T>C, p.Cys335Arg (NM_001025107.3, NM_001193495.2, NM_001365046.1 and 3 more transcripts); c.1915T>C, p.Cys639Arg (NM_001365045.1); c.1888T>C, p.Cys630Arg (NM_015840.4, NM_015841.4); short protein forms C335R, C630R, C639R.
Identifiers: ClinVar variation 1964924 (VCV001964924.6), dbSNP rs1200243279, ClinGen allele CA342638636.
Genomic context (GRCh38, chr1:154,597,874, plus strand): 5'-CACGTAGGACATACTTGGGTTCATGGGCAGGGCCTTCTTTGGACAGGAGACGGAATTCGC[A>G]GGAGTTCCCCAATTTGTGCATACACTCAAGCAGTGTGGTGACGGGGCTCTTCCCAGAAAA-3'
Protein context (NP_001102.3, residues 620-640): LECMHKLGNS[Cys630Arg]EFRLLSKEGP